The following is an entry in ClinVar:

ClinVar aggregate classification (germline): Uncertain significance. Review status: criteria provided, multiple submitters, no conflicts (2 of 4 stars). 2 submissions from 2 submitters: Uncertain significance (2). Last evaluated 2026-01-12.

Allele frequency attached by ClinVar (database versions not stated): ESP Exome Variant Server 0.00023; gnomAD 0.00030 and 0.00031; 1000 Genomes Project 30x 0.00031; 1000 Genomes Project 0.00040; TOPMed 0.00040.
gnomAD v4.1: 82 of 1,614,058 alleles (0.0051%); highest among the groups gnomAD compares: African/African-American, 0.1%; no homozygotes.

Submissions (2):

Labcorp Genetics (formerly Invitae), Labcorp
Classification: Uncertain significance. Last evaluated: 2026-01-12. Review status: criteria provided, single submitter. Criteria: Invitae Variant Classification Sherloc (09022015). Collection method: clinical testing. Allele origin: germline.
Comment: This sequence change replaces proline, which is neutral and non-polar, with alanine, which is neutral and non-polar, at codon 1974 of the ANK3 protein (p.Pro1974Ala). This variant is present in population databases (rs139774460, gnomAD 0.1%). This variant has not been reported in the literature in individuals affected with ANK3-related conditions. ClinVar contains an entry for this variant (Variation ID: 1391018). Invitae Evidence Modeling of protein sequence and biophysical properties (such as structural, functional, and spatial information, amino acid conservation, physicochemical variation, residue mobility, and thermodynamic stability) indicates that this missense variant is not expected to disrupt ANK3 protein function with a negative predictive value of 80%. In summary, the available evidence is currently insufficient to determine the role of this variant in disease. Therefore, it has been classified as a Variant of Uncertain Significance.

GeneDx
Classification: Uncertain significance. Last evaluated: 2024-11-14. Review status: criteria provided, single submitter. Criteria: GeneDx Variant Classification Process June 2021. Collection method: clinical testing. Allele origin: germline. Affected: yes.
Comment: In silico analysis indicates that this missense variant does not alter protein structure/function; Has not been previously published as pathogenic or benign to our knowledge

NM_020987.5(ANK3):c.5920C>G (p.Pro1974Ala)

Gene: ANK3 (ankyrin 3; minus strand). Cytogenetic location: 10q21.2.
Variant type: single nucleotide variant.
Coding change: c.5920C>G on transcript NM_020987.5 (MANE Select); coding-DNA position 5920, C replaced by G.
Protein change: p.Pro1974Ala; replaces proline 1974 with alanine.
Molecular consequence: missense variant. On other transcripts: intron variant (4).
Genome position (GRCh38, 1-based): chr10:60,074,961, G>C on the plus strand (C>G on the coding strand, the complement: ANK3 is on the minus strand). VCF-style: chr10-60074961-G-C. GRCh37 (hg19) VCF-style: chr10-61834719-G-C.
Other names: c.5920C>G (NM_020987.3); c.4387+5576C>G (NM_001204403.2); c.4408+5576C>G (NM_001204404.2); c.4405+5576C>G (NM_001320874.2); c.1807+5576C>G (NM_001149.4); short protein forms P1974A.
Identifiers: ClinVar variation 1391018 (VCV001391018.9), dbSNP rs139774460, ClinGen allele CA5511946.